The following is an entry in ClinVar:

ClinVar aggregate classification (germline): Uncertain significance. Review status: criteria provided, multiple submitters, no conflicts (2 of 4 stars). 2 submissions from 2 submitters: Uncertain significance (2). Last evaluated 2023-02-24.

Conditions:
Marfan syndrome (MFS). Also called: Marfan's syndrome; Marfan syndrome, classic; MARFAN SYNDROME, TYPE I; Marfan syndrome type 1; FBN1-Related Marfan Syndrome. Identifiers: Orphanet 284963, Orphanet 558, MedGen C0024796, MONDO:0007947, OMIM 154700.
Connective tissue disorder. Also called: Connective tissue disease. Identifiers: MedGen C0009782, MONDO:0003900.

Allele frequency attached by ClinVar (database versions not stated): ExAC 0.00002; gnomAD exomes 0.00001 and 0.00002.
gnomAD v4.1: 7 of 1,613,644 alleles (0.00043%); highest among the groups gnomAD compares: South Asian, 0.0077%; no homozygotes.

Submissions (2):

All of Us Research Program, National Institutes of Health
Classification: Uncertain significance for Marfan syndrome. Last evaluated: 2023-02-24. Review status: criteria provided, single submitter. Criteria: ACMG Guidelines, 2015. Collection method: clinical testing. Allele origin: germline. Inheritance: Autosomal dominant inheritance. Observed: 1 variant allele, 1 heterozygote.
Comment: This missense variant replaces glycine with aspartic acid at codon 407 of the FBN1 protein. Computational prediction suggests that this variant may not impact protein structure and function (internally defined REVEL score threshold <= 0.5, PMID: 27666373). To our knowledge, functional studies have not been reported for this variant. This variant has been reported in an individual affected with Marfan syndrome who also carried a pathogenic truncation variant in the FBN1 gene (PMID: 33200202). This variant has been identified in 4/251096 chromosomes in the general population by the Genome Aggregation Database (gnomAD). The available evidence is insufficient to determine the role of this variant in disease conclusively. Therefore, this variant is classified as a Variant of Uncertain Significance.

This study involves interpretation of variants in research participants for the purpose of population health screening. Participant phenotype was not available at the time of variant classification. Additional details can be found in publication PMID: 35346344, PMCID: PMC8962531

Genome Diagnostics Laboratory, The Hospital for Sick Children
Classification: Uncertain significance for Connective tissue disorder. Last evaluated: 2020-11-18. Review status: criteria provided, single submitter. Criteria: ACMG Guidelines, 2015. Collection method: clinical testing. Allele origin: germline.

Literature cited by the submitters: PubMed 33200202 (cited by All of Us Research Program, National Institutes of Health).

NM_000138.5(FBN1):c.1220G>A (p.Gly407Asp)

Gene: FBN1 (fibrillin 1; minus strand). Cytogenetic location: 15q21.1.
Variant type: single nucleotide variant.
Coding change: c.1220G>A on transcript NM_000138.5 (MANE Select); coding-DNA position 1220, G replaced by A.
Protein change: p.Gly407Asp; replaces glycine 407 with aspartic acid.
Molecular consequence: missense variant.
Genome position (GRCh38, 1-based): chr15:48,516,290, C>T on the plus strand (G>A on the coding strand, the complement: FBN1 is on the minus strand). VCF-style: chr15-48516290-C-T. GRCh37 (hg19) VCF-style: chr15-48808487-C-T.
Other names: short protein forms G407D.
Identifiers: ClinVar variation 1702402 (VCV001702402.4), dbSNP rs758241018, ClinGen allele CA044005.